The following is an entry in ClinVar:

ClinVar aggregate classification (germline): Uncertain significance (1 of 4 stars; one submission).

Conditions:
Nephronophthisis. Also called: Juvenile Nephronophthisis. Identifiers: Orphanet 655, MedGen C0687120, MONDO:0019005, HP:0000090.

Allele frequency attached by ClinVar (database versions not stated): gnomAD exomes below 0.00001; TOPMed below 0.00001.
gnomAD v4.1: 1 of 1,607,196 alleles (0.000062%); highest among the groups gnomAD compares: African/African-American, 0.0013%; no homozygotes.

Submission:

Labcorp Genetics (formerly Invitae), Labcorp
Classification: Uncertain significance for Nephronophthisis. Last evaluated: 2025-06-12. Review status: criteria provided, single submitter. Criteria: Invitae Variant Classification Sherloc (09022015). Collection method: clinical testing. Allele origin: germline.
Comment: This sequence change replaces serine, which is neutral and polar, with arginine, which is basic and polar, at codon 1046 of the NPHP4 protein (p.Ser1046Arg). This variant is not present in population databases (gnomAD no frequency). This variant has not been reported in the literature in individuals affected with NPHP4-related conditions. ClinVar contains an entry for this variant (Variation ID: 1717725). Invitae Evidence Modeling of protein sequence and biophysical properties (such as structural, functional, and spatial information, amino acid conservation, physicochemical variation, residue mobility, and thermodynamic stability) indicates that this missense variant is not expected to disrupt NPHP4 protein function with a negative predictive value of 80%. In summary, the available evidence is currently insufficient to determine the role of this variant in disease. Therefore, it has been classified as a Variant of Uncertain Significance.

NM_015102.5(NPHP4):c.3138C>G (p.Ser1046Arg)

Gene: NPHP4 (nephrocystin 4; minus strand). Cytogenetic location: 1p36.31.
Variant type: single nucleotide variant.
Coding change: c.3138C>G on transcript NM_015102.5 (MANE Select); coding-DNA position 3138, C replaced by G.
Protein change: p.Ser1046Arg; replaces serine 1046 with arginine.
Molecular consequence: missense variant. On other transcripts: non-coding transcript variant (1).
Genome position (GRCh38, 1-based): chr1:5,874,564, G>C on the plus strand (C>G on the coding strand, the complement: NPHP4 is on the minus strand). VCF-style: chr1-5874564-G-C. GRCh37 (hg19) VCF-style: chr1-5934624-G-C.
Other names: c.1599C>G, p.Ser533Arg (NM_001291593.2); c.1602C>G, p.Ser534Arg (NM_001291594.2); short protein forms S1046R, S533R, S534R.
Identifiers: ClinVar variation 1717725 (VCV001717725.5), dbSNP rs1642361340, ClinGen allele CA338055707.